The following is an entry in ClinVar:

NM_000338.3(SLC12A1):c.477T>C (p.Pro159=)

Gene: SLC12A1 (solute carrier family 12 member 1; plus strand). Cytogenetic location: 15q21.1.
Variant type: single nucleotide variant.
Coding change: c.477T>C on transcript NM_000338.3 (MANE Select); coding-DNA position 477, T replaced by C.
Protein change: p.Pro159=; no amino-acid change (proline 159 retained).
Molecular consequence: synonymous variant.
Genome position (GRCh38, 1-based): chr15:48,220,690, T>C. VCF-style: chr15-48220690-T-C. GRCh37 (hg19) VCF-style: chr15-48512887-T-C.
Other names: c.477T>C, p.Pro159= (NM_001184832.2, NM_001384136.1).
Identifiers: ClinVar variation 1093523 (VCV001093523.27), dbSNP rs199678660, ClinGen allele CA7546767.

ClinVar aggregate classification (germline): Likely benign. Review status: criteria provided, multiple submitters, no conflicts (2 of 4 stars). 2 submissions from 2 submitters: Likely benign (2). Last evaluated 2025-08-12.

Allele frequency attached by ClinVar (database versions not stated): ExAC 0.00002; gnomAD exomes 0.00002 and 0.00005; gnomAD 0.00003 and 0.00004; TOPMed 0.00003.
gnomAD v4.1: 82 of 1,613,692 alleles (0.0051%); highest among the groups gnomAD compares: Non-Finnish European, 0.0063%; no homozygotes.

Submissions (2):

Labcorp Genetics (formerly Invitae), Labcorp
Classification: Likely benign. Last evaluated: 2025-08-12. Review status: criteria provided, single submitter. Criteria: Invitae Variant Classification Sherloc (09022015). Collection method: clinical testing. Allele origin: germline.

CeGaT Center for Human Genetics Tuebingen
Classification: Likely benign. Last evaluated: 2024-06-01. Review status: criteria provided, single submitter. Criteria: CeGaT Center For Human Genetics Tuebingen Variant Classification Criteria Version 2. Collection method: clinical testing. Allele origin: germline. Affected: yes. Observed: 1 variant allele.
Comment: SLC12A1: BP4, BP7